The following is an entry in ClinVar:

NM_020821.3(VPS13C):c.5600A>G (p.Gln1867Arg)

Gene: VPS13C (vacuolar protein sorting 13 homolog C; minus strand). Cytogenetic location: 15q22.2.
Variant type: single nucleotide variant.
Coding change: c.5600A>G on transcript NM_020821.3 (MANE Select); coding-DNA position 5600, A replaced by G.
Protein change: p.Gln1867Arg; replaces glutamine 1867 with arginine.
Molecular consequence: missense variant.
Genome position (GRCh38, 1-based): chr15:61,940,648, T>C on the plus strand (A>G on the coding strand, the complement: VPS13C is on the minus strand). VCF-style: chr15-61940648-T-C. GRCh37 (hg19) VCF-style: chr15-62232847-T-C.
Other names: p.Gln1867Arg; c.5600A>G, p.Gln1867Arg (NM_001018088.3); c.5471A>G, p.Gln1824Arg (NM_017684.5, NM_018080.4); short protein forms Q1824R, Q1867R.
Identifiers: ClinVar variation 3380296 (VCV003380296.1).

ClinVar aggregate classification (germline): Uncertain significance (1 of 4 stars; one submission).

gnomAD v4.1: 4 of 1,612,556 alleles (0.00025%); highest among the groups gnomAD compares: Non-Finnish European, 0.00034%; no homozygotes.

Submission:

Mayo Clinic Laboratories, Mayo Clinic
Classification: Uncertain significance. Last evaluated: 2023-11-06. Review status: criteria provided, single submitter. Criteria: ACMG Guidelines, 2015. Collection method: clinical testing. Allele origin: germline. Observed: 1 variant allele.
Comment: BP4